The following is an entry in ClinVar:

ClinVar aggregate classification (germline): Conflicting classifications of pathogenicity. Review status: criteria provided, conflicting classifications (1 of 4 stars). 2 submissions from 2 submitters: Uncertain significance (1); Likely benign (1). Last evaluated 2026-04-30.

Conditions:
Cardiovascular phenotype. Identifiers: MedGen CN230736.
Dilated cardiomyopathy 1W (CMD1W). Identifiers: Orphanet 154, MedGen C1969639, MONDO:0012667, OMIM 611407.

Allele frequency attached by ClinVar (database versions not stated): ExAC 0.00001; ESP Exome Variant Server 0.00008.
gnomAD v4.1: 2 of 1,613,344 alleles (0.00012%); highest among the groups gnomAD compares: African/African-American, 0.0013%; no homozygotes.

Submissions (2):

Ambry Genetics
Classification: Likely benign for Cardiovascular phenotype. Last evaluated: 2026-04-30. Review status: criteria provided, single submitter. Criteria: Ambry Variant Classification Scheme 2023. Collection method: clinical testing. Allele origin: germline.

Labcorp Genetics (formerly Invitae), Labcorp
Classification: Uncertain significance for Dilated cardiomyopathy 1W. Last evaluated: 2023-06-29. Review status: criteria provided, single submitter. Criteria: Invitae Variant Classification Sherloc (09022015). Collection method: clinical testing. Allele origin: germline.
Comment: An algorithm developed to predict the effect of missense changes on protein structure and function (PolyPhen-2) suggests that this variant is likely to be disruptive. This variant has not been reported in the literature in individuals affected with VCL-related conditions. This variant is present in population databases (rs374309823, gnomAD 0.007%). This sequence change replaces asparagine, which is neutral and polar, with aspartic acid, which is acidic and polar, at codon 621 of the VCL protein (p.Asn621Asp). In summary, the available evidence is currently insufficient to determine the role of this variant in disease. Therefore, it has been classified as a Variant of Uncertain Significance.

NM_014000.3(VCL):c.1861A>G (p.Asn621Asp)

Gene: VCL (vinculin; plus strand). Cytogenetic location: 10q22.2.
Variant type: single nucleotide variant.
Coding change: c.1861A>G on transcript NM_014000.3 (MANE Select); coding-DNA position 1861, A replaced by G.
Protein change: p.Asn621Asp; replaces asparagine 621 with aspartic acid.
Molecular consequence: missense variant.
Genome position (GRCh38, 1-based): chr10:74,097,321, A>G. VCF-style: chr10-74097321-A-G. GRCh37 (hg19) VCF-style: chr10-75857079-A-G.
Other names: c.1861A>G, p.Asn621Asp (NM_003373.4); short protein forms N621D.
Identifiers: ClinVar variation 2909044 (VCV002909044.4), dbSNP rs374309823, ClinGen allele CA5563095.